The following is an entry in ClinVar:

NM_001232.4(CASQ2):c.783+280C>T

Gene: CASQ2 (calsequestrin 2; minus strand). Cytogenetic location: 1p13.1.
Variant type: single nucleotide variant.
Coding change: c.783+280C>T on transcript NM_001232.4 (MANE Select); 280 bases into the intron after coding-DNA position 783, C replaced by T.
Molecular consequence: intron variant.
Genome position (GRCh38, 1-based): chr1:115,725,228, G>A on the plus strand (C>T on the coding strand, the complement: CASQ2 is on the minus strand). VCF-style: chr1-115725228-G-A. GRCh37 (hg19) VCF-style: chr1-116267849-G-A.
Identifiers: ClinVar variation 672814 (VCV000672814.1), dbSNP rs74985404, ClinGen allele CA29634386.

ClinVar aggregate classification (germline): Benign (1 of 4 stars; one submission).

Allele frequency attached by ClinVar (database versions not stated): gnomAD 0.02244 and 0.02402; TOPMed 0.02569; 1000 Genomes Project 0.02656; 1000 Genomes Project 30x 0.02795.
gnomAD v4.1: 3,379 of 151,886 alleles (2.2%); highest among the groups gnomAD compares: African/African-American, 7.7%; 118 homozygotes.

Submission:

GeneDx
Classification: Benign. Last evaluated: 2018-06-14. Review status: criteria provided, single submitter. Criteria: GeneDx Variant Classification (06012015). Collection method: clinical testing. Allele origin: germline. Affected: yes.
Comment: This variant is considered likely benign or benign based on one or more of the following criteria: it is a conservative change, it occurs at a poorly conserved position in the protein, it is predicted to be benign by multiple in silico algorithms, and/or has population frequency not consistent with disease.